The following is an entry in ClinVar:

NM_000642.3(AGL):c.4126C>T (p.Gln1376Ter)

Gene: AGL (amylo-alpha-1,6-glucosidase and 4-alpha-glucanotransferase; plus strand). Cytogenetic location: 1p21.2.
Variant type: single nucleotide variant.
Coding change: c.4126C>T on transcript NM_000642.3 (MANE Select); coding-DNA position 4126, C replaced by T.
Protein change: p.Gln1376Ter; replaces glutamine 1376 with a stop codon.
Molecular consequence: nonsense.
Genome position (GRCh38, 1-based): chr1:99,913,703, C>T. VCF-style: chr1-99913703-C-T. GRCh37 (hg19) VCF-style: chr1-100379259-C-T.
Other names: c.4126C>T, p.Gln1376Ter (NM_000028.3, NM_000643.3, NM_000644.3 and 1 more transcripts); c.4078C>T, p.Gln1360Ter (NM_000646.3); c.4105C>T, p.Gln1369Ter (NM_001425326.1); c.3925C>T, p.Gln1309Ter (NM_001425327.1); c.3922C>T, p.Gln1308Ter (NM_001425328.1); c.3787C>T, p.Gln1263Ter (NM_001425329.1); c.3748C>T, p.Gln1250Ter (NM_001425332.1); c.[4126C>T] (NM_000642.2); short protein forms Q1360*, Q1376*, Q1250*, Q1263*, Q1308*, Q1309*, Q1369*.
Identifiers: ClinVar variation 998101 (VCV000998101.5), dbSNP rs762602838, ClinGen allele CA341340262.

ClinVar aggregate classification (germline): Pathogenic/Likely pathogenic. Review status: criteria provided, multiple submitters, no conflicts (2 of 4 stars). 4 submissions from 4 submitters: Pathogenic (2); Likely pathogenic (2). Last evaluated 2024-04-22.

Conditions:
Glycogen storage disease type III (GSD3). Also called: FORBES DISEASE; Cori disease. Identifiers: Orphanet 366, MedGen C0017922, MONDO:0009291, OMIM 232400.
AGL-related disorder. Also called: AGL-related condition.

Submissions (4):

Blueprint Genetics
Classification: Pathogenic for AGL-related disorders. Last evaluated: 2024-04-22. Review status: criteria provided, single submitter. Criteria: ACMG Guidelines, 2015. Collection method: clinical testing. Allele origin: germline. Affected: yes. Observed: 1 variant allele.

Genome-Nilou Lab
Classification: Likely pathogenic for Glycogen storage disease type III. Last evaluated: 2023-04-11. Review status: criteria provided, single submitter. Criteria: ACMG Guidelines, 2015. Collection method: clinical testing. Allele origin: germline. Affected: no.

Centre for Human Genetics
Classification: Pathogenic for Glycogen storage disease type III. Last evaluated: 2019-08-04. Review status: criteria provided, single submitter. Criteria: ACMG Guidelines, 2015. Collection method: clinical testing. Allele origin: inherited. Inheritance: Autosomal recessive inheritance. Affected: yes. Observed: 1 variant allele.
Comment: disease causing

Neuberg Centre For Genomic Medicine, NCGM
Classification: Likely pathogenic for Glycogen storage disease type III. Review status: criteria provided, single submitter. Criteria: ACMG Guidelines, 2015. Collection method: clinical testing. Allele origin: germline. Affected: yes.
Comment: The stop gained p.Q1376* in AGL (NM_000642.3) has not been reported previously as a pathogenic variant nor as a benign variant, to our knowledge. The p.Q1376* variant is novel (not in any individuals) in gnomAD Exomes and is novel (not in any individuals) in 1000 Genomes. This variant is predicted to cause loss of normal protein function through protein truncation. Loss of function variants have been previously reported to be disease causing. For these reasons, this variant has been classified as Likely Pathogenic.